The following is an entry in ClinVar:

ClinVar aggregate classification (germline): Uncertain significance (1 of 4 stars; one submission).

Submission:

GeneDx
Classification: Uncertain significance. Last evaluated: 2017-10-16. Review status: criteria provided, single submitter. Criteria: GeneDx Variant Classification (06012015). Collection method: clinical testing. Allele origin: germline. Affected: yes.
Comment: The E353G variant has not been published as a pathogenic variant, nor has it been reported as a benign variant to our knowledge. The E353G variant is not observed in large population cohorts (Lek et al., 2016). This variant is a non-conservative amino acid substitution, which is likely to impact secondary protein structure as these residues differ in polarity, charge, size and/or other properties. This substitution occurs at a position that is conserved across species, and in silico analysis predicts this variant is probably damaging to the protein structure/function. However, missense variants in nearby residues have not been reported in the Human Gene Mutation Database in association with NONO-related disorders (Stenson et al., 2014).

NM_007363.5(NONO):c.1058A>G (p.Glu353Gly)

Gene: NONO (non-POU domain containing octamer binding; plus strand). Cytogenetic location: Xq13.1.
Variant type: single nucleotide variant.
Coding change: c.1058A>G on transcript NM_007363.5 (MANE Select); coding-DNA position 1058, A replaced by G.
Protein change: p.Glu353Gly; replaces glutamic acid 353 with glycine.
Molecular consequence: missense variant.
Genome position (GRCh38, 1-based): chrX:71,297,865, A>G. VCF-style: chrX-71297865-A-G. GRCh37 (hg19) VCF-style: chrX-70517715-A-G.
Other names: c.1058A>G, p.Glu353Gly (NM_001145408.2, NM_001145409.2); c.791A>G, p.Glu264Gly (NM_001145410.2); short protein forms E353G, E264G.
Identifiers: ClinVar variation 452844 (VCV000452844.2), dbSNP rs1555950243, ClinGen allele CA413547659.